The following is an entry in ClinVar:

NM_022725.4(FANCF):c.672C>T (p.Pro224=)

Gene: FANCF (FA complementation group F; minus strand). Cytogenetic location: 11p14.3.
Variant type: single nucleotide variant.
Coding change: c.672C>T on transcript NM_022725.4 (MANE Select); coding-DNA position 672, C replaced by T.
Protein change: p.Pro224=; no amino-acid change (proline 224 retained).
Molecular consequence: synonymous variant.
Genome position (GRCh38, 1-based): chr11:22,625,139, G>A on the plus strand (C>T on the coding strand, the complement: FANCF is on the minus strand). VCF-style: chr11-22625139-G-A. GRCh37 (hg19) VCF-style: chr11-22646685-G-A.
Identifiers: ClinVar variation 456286 (VCV000456286.13), dbSNP rs148955347, ClinGen allele CA5924281.
Genomic context (GRCh38, chr11:22,625,139, plus strand): 5'-ATTCCCCAGAAGCCAGTGGACTAGCACTTGGCTCCCCTCTCCAGGTGATTTGTGGATGCC[G>A]GGTTCCAACTCTTCTTGGGGCCGACGAGACAAAGGCGGCTGCAACAGCGCCACCGCTATC-3'
Protein context (NP_073562.1, residues 214-234): LSRRPQEELE[Pro224=]GIHKSPGEGS

ClinVar aggregate classification (germline): Likely benign. Review status: criteria provided, multiple submitters, no conflicts (2 of 4 stars). 4 submissions from 4 submitters: Likely benign (3). 1 of the submissions does not count toward it. Last evaluated 2025-12-09.

Conditions:
FANCF-related disorder. Also called: FANCF-related condition.
Fanconi anemia (FA). Also called: Fanconi's anemia. Identifiers: Orphanet 84, MedGen C0015625, MeSH D005199, MONDO:0019391.

Allele frequency attached by ClinVar (database versions not stated): gnomAD exomes 0.00005 and 0.00012; ExAC 0.00018; gnomAD 0.00046 and 0.00049; TOPMed 0.00062; ESP Exome Variant Server 0.00077; 1000 Genomes Project 30x 0.00094; 1000 Genomes Project 0.00100.
gnomAD v4.1: 134 of 1,607,686 alleles (0.0083%); highest among the groups gnomAD compares: African/African-American, 0.16%; no homozygotes.

Submissions (4):

Labcorp Genetics (formerly Invitae), Labcorp
Classification: Likely benign for Fanconi anemia. Last evaluated: 2025-12-09. Review status: criteria provided, single submitter. Criteria: Invitae Variant Classification Sherloc (09022015). Collection method: clinical testing. Allele origin: germline.

Blueprint Genetics
Classification: Likely benign. Last evaluated: 2024-02-15. Review status: criteria provided, single submitter. Criteria: ACMG Guidelines, 2015. Collection method: clinical testing. Allele origin: germline.

Sema4
Classification: Likely benign for Fanconi anemia. Last evaluated: 2021-06-17. Review status: criteria provided, single submitter. Criteria: Sema4 Curation Guidelines. Collection method: curation. Allele origin: germline.

PreventionGenetics, part of Exact Sciences
Classification: Likely benign for FANCF-related condition. Last evaluated: 2019-08-14. Review status: no assertion criteria provided. Collection method: clinical testing. Allele origin: germline. Not counted in ClinVar's aggregate classification.
Comment: This variant is classified as likely benign based on ACMG/AMP sequence variant interpretation guidelines (Richards et al. 2015 PMID: 25741868, with internal and published modifications).